The following is an entry in ClinVar:

ClinVar aggregate classification (germline): Uncertain significance (1 of 4 stars; one submission).

Submission:

Labcorp Genetics (formerly Invitae), Labcorp
Classification: Uncertain significance. Last evaluated: 2024-10-17. Review status: criteria provided, single submitter. Criteria: Invitae Variant Classification Sherloc (09022015). Collection method: clinical testing. Allele origin: germline.
Comment: This sequence change replaces lysine, which is basic and polar, with glutamic acid, which is acidic and polar, at codon 130 of the IL21 protein (p.Lys130Glu). This variant is not present in population databases (gnomAD no frequency). This variant has not been reported in the literature in individuals affected with IL21-related conditions. An algorithm developed to predict the effect of missense changes on protein structure and function (PolyPhen-2) suggests that this variant is likely to be tolerated. In summary, the available evidence is currently insufficient to determine the role of this variant in disease. Therefore, it has been classified as a Variant of Uncertain Significance.

NM_021803.4(IL21):c.388A>G (p.Lys130Glu)

Gene: IL21 (interleukin 21; minus strand). Cytogenetic location: 4q27.
Variant type: single nucleotide variant.
Coding change: c.388A>G on transcript NM_021803.4 (MANE Select); coding-DNA position 388, A replaced by G.
Protein change: p.Lys130Glu; replaces lysine 130 with glutamic acid.
Molecular consequence: missense variant.
Genome position (GRCh38, 1-based): chr4:122,612,901, T>C on the plus strand (A>G on the coding strand, the complement: IL21 is on the minus strand). VCF-style: chr4-122612901-T-C. GRCh37 (hg19) VCF-style: chr4-123534056-T-C.
Other names: c.388A>G, p.Lys130Glu (NM_001207006.3); short protein forms K130E.
Identifiers: ClinVar variation 3723164 (VCV003723164.2).